The following is an entry in ClinVar:

ClinVar aggregate classification (germline): Conflicting classifications of pathogenicity. Review status: criteria provided, conflicting classifications (1 of 4 stars). 2 submissions from 2 submitters: Likely pathogenic (1); Uncertain significance (1). Last evaluated 2024-10-10.

Conditions:
CRX-related disorders.
Leber congenital amaurosis 7 (LCA7). Identifiers: Orphanet 65, MedGen C3151192, MONDO:0013449, OMIM 613829.
Cone-rod dystrophy 2 (CORD2). Also called: CONE-ROD RETINAL DYSTROPHY; Cone-rod retinal dystrophy 2. Identifiers: Orphanet 1872, MedGen C3489532, MONDO:0007362, OMIM 120970.

Submissions (2):

Labcorp Genetics (formerly Invitae), Labcorp
Classification: Uncertain significance for Cone-rod dystrophy 2; Leber congenital amaurosis 7. Last evaluated: 2024-10-10. Review status: criteria provided, single submitter. Criteria: Invitae Variant Classification Sherloc (09022015). Collection method: clinical testing. Allele origin: germline.
Comment: This sequence change results in a frameshift in the CRX gene (p.Asp271Alafs*100). While this is not anticipated to result in nonsense mediated decay, it is expected to disrupt the last 29 amino acid(s) of the CRX protein and extend the protein by 70 additional amino acid residues. This variant is not present in population databases (gnomAD no frequency). This variant has not been reported in the literature in individuals affected with CRX-related conditions. Experimental studies and prediction algorithms are not available or were not evaluated, and the functional significance of this variant is currently unknown. In summary, the available evidence is currently insufficient to determine the role of this variant in disease. Therefore, it has been classified as a Variant of Uncertain Significance.

Blueprint Genetics
Classification: Likely pathogenic for CRX-related disorders. Last evaluated: 2019-12-06. Review status: criteria provided, single submitter. Criteria: ACMG Guidelines, 2015. Collection method: clinical testing. Allele origin: germline. Affected: yes. Observed: 1 variant allele.

NM_000554.6(CRX):c.812del (p.Asp271fs)

Gene: CRX (cone-rod homeobox; plus strand). Cytogenetic location: 19q13.33.
Variant type: Deletion.
Coding change: c.812del on transcript NM_000554.6 (MANE Select); coding-DNA position 812, one base deleted (A; older notation c.812delA).
Protein change: p.Asp271fs; shifts the reading frame from aspartic acid 271.
Molecular consequence: frameshift variant.
Genome position (GRCh38, 1-based): chr19:47,839,879, A deleted. VCF-style (leftmost placement, unchanged base first): chr19-47839878-GA-G. GRCh37 (hg19) VCF-style: chr19-48343135-GA-G.
Other names: short protein forms D271fs.
Identifiers: ClinVar variation 3759416 (VCV003759416.3).